The following is an entry in ClinVar:

NM_000397.4(CYBB):c.924C>G (p.Ile308Met)

Gene: CYBB (cytochrome b-245 beta chain; plus strand). Cytogenetic location: Xp11.4.
Variant type: single nucleotide variant.
Coding change: c.924C>G on transcript NM_000397.4 (MANE Select); coding-DNA position 924, C replaced by G.
Protein change: p.Ile308Met; replaces isoleucine 308 with methionine.
Molecular consequence: missense variant.
Genome position (GRCh38, 1-based): chrX:37,803,903, C>G. VCF-style: chrX-37803903-C-G. GRCh37 (hg19) VCF-style: chrX-37663156-C-G.
Other names: short protein forms I308M.
Identifiers: ClinVar variation 969950 (VCV000969950.7), dbSNP rs782150170, ClinGen allele CA412977062.

ClinVar aggregate classification (germline): Uncertain significance (1 of 4 stars; one submission).

Conditions:
Granulomatous disease, chronic, X-linked. Also called: CYTOCHROME b-NEGATIVE GRANULOMATOUS DISEASE, CHRONIC, X-LINKED; GRANULOMATOUS DISEASE, CHRONIC, X-LINKED, SOMATIC MOSAIC. Identifiers: Orphanet 379, MedGen C1844376, MONDO:0010600, OMIM 306400.

Submission:

Labcorp Genetics (formerly Invitae), Labcorp
Classification: Uncertain significance for Granulomatous disease, chronic, X-linked. Last evaluated: 2021-09-01. Review status: criteria provided, single submitter. Criteria: Invitae Variant Classification Sherloc (09022015). Collection method: clinical testing. Allele origin: germline.
Comment: This sequence change replaces isoleucine with methionine at codon 308 of the CYBB protein (p.Ile308Met). The isoleucine residue is moderately conserved and there is a small physicochemical difference between isoleucine and methionine. This variant is not present in population databases (ExAC no frequency). This variant has not been reported in the literature in individuals affected with CYBB-related conditions. Algorithms developed to predict the effect of missense changes on protein structure and function are either unavailable or do not agree on the potential impact of this missense change (SIFT: "Deleterious"; PolyPhen-2: "Possibly Damaging"; Align-GVGD: "Class C0"). In summary, the available evidence is currently insufficient to determine the role of this variant in disease. Therefore, it has been classified as a Variant of Uncertain Significance.